The following is an entry in ClinVar:

NM_001374259.2(IL12RB2):c.218T>G (p.Phe73Cys)

Gene: IL12RB2 (interleukin 12 receptor subunit beta 2; plus strand). Cytogenetic location: 1p31.3.
Variant type: single nucleotide variant.
Coding change: c.218T>G on transcript NM_001374259.2 (MANE Select); coding-DNA position 218, T replaced by G.
Protein change: p.Phe73Cys; replaces phenylalanine 73 with cysteine.
Molecular consequence: missense variant. On other transcripts: non-coding transcript variant (2).
Genome position (GRCh38, 1-based): chr1:67,321,743, T>G. VCF-style: chr1-67321743-T-G. GRCh37 (hg19) VCF-style: chr1-67787426-T-G.
Other names: c.218T>G, p.Phe73Cys (NM_001258214.1, NM_001258215.1, NM_001258216.1 and 2 more transcripts); short protein forms F73C.
Identifiers: ClinVar variation 1720123 (VCV001720123.5), dbSNP rs1443513017, ClinGen allele CA340730639.

ClinVar aggregate classification (germline): Uncertain significance (1 of 4 stars; one submission).

gnomAD v4.1: 1 of 1,613,296 alleles (0.000062%); highest among the groups gnomAD compares: South Asian, 0.0011%; no homozygotes.

Submission:

Labcorp Genetics (formerly Invitae), Labcorp
Classification: Uncertain significance. Last evaluated: 2022-10-21. Review status: criteria provided, single submitter. Criteria: Invitae Variant Classification Sherloc (09022015). Collection method: clinical testing. Allele origin: germline.
Comment: In summary, the available evidence is currently insufficient to determine the role of this variant in disease. Therefore, it has been classified as a Variant of Uncertain Significance. Algorithms developed to predict the effect of missense changes on protein structure and function are either unavailable or do not agree on the potential impact of this missense change (SIFT: "Tolerated"; PolyPhen-2: "Possibly Damaging"; Align-GVGD: "Class C0"). This sequence change replaces phenylalanine, which is neutral and non-polar, with cysteine, which is neutral and slightly polar, at codon 73 of the IL12RB2 protein (p.Phe73Cys). This variant is not present in population databases (gnomAD no frequency). This variant has not been reported in the literature in individuals affected with IL12RB2-related conditions.